The following is an entry in ClinVar:

NM_002691.4(POLD1):c.398A>G (p.Glu133Gly)

Gene: POLD1 (DNA polymerase delta 1, catalytic subunit; plus strand). Cytogenetic location: 19q13.33.
Variant type: single nucleotide variant.
Coding change: c.398A>G on transcript NM_002691.4 (MANE Select); coding-DNA position 398, A replaced by G.
Protein change: p.Glu133Gly; replaces glutamic acid 133 with glycine.
Molecular consequence: missense variant. On other transcripts: non-coding transcript variant (1).
Genome position (GRCh38, 1-based): chr19:50,401,859, A>G. VCF-style: chr19-50401859-A-G. GRCh37 (hg19) VCF-style: chr19-50905116-A-G.
Other names: c.398A>G, p.Glu133Gly (NM_001256849.1, NM_001308632.1, NM_001438210.1 and 3 more transcripts); short protein forms E133G.
Identifiers: ClinVar variation 4750803 (VCV004750803.1).
Genomic context (GRCh38, chr19:50,401,859, plus strand): 5'-GGGGGCCCCCACCATCCCGCGGCTCCGTGCCTGTGCTCCGCGCCTTCGGGGTCACCGATG[A>G]GGGGTTCTCTGTCTGCTGCCACATCCACGGCTTCGCTCCCTACTTCTACACCCCAGCGCC-3'
Protein context (NP_002682.2, residues 123-143): PVLRAFGVTD[Glu133Gly]GFSVCCHIHG

ClinVar aggregate classification (germline): Uncertain significance (1 of 4 stars; one submission).

Conditions:
POLD1-related polyposis and colorectal cancer syndrome (CRCS10). Also called: COLORECTAL CANCER, SUSCEPTIBILITY TO, ON CHROMOSOME 19q; Colorectal cancer 10; Colorectal cancer, susceptibility to, 10. Identifiers: Orphanet 220460, MedGen C2675481, MONDO:0012953, OMIM 612591.

Submission:

Labcorp Genetics (formerly Invitae), Labcorp
Classification: Uncertain significance for POLD1-related polyposis and colorectal cancer syndrome. Last evaluated: 2025-08-20. Review status: criteria provided, single submitter. Criteria: Invitae Variant Classification Sherloc (09022015). Collection method: clinical testing. Allele origin: germline.
Comment: This sequence change replaces glutamic acid, which is acidic and polar, with glycine, which is neutral and non-polar, at codon 133 of the POLD1 protein (p.Glu133Gly). This variant is not present in population databases (gnomAD no frequency). This variant has not been reported in the literature in individuals affected with POLD1-related conditions. Invitae Evidence Modeling of protein sequence and biophysical properties (such as structural, functional, and spatial information, amino acid conservation, physicochemical variation, residue mobility, and thermodynamic stability) indicates that this missense variant is not expected to disrupt POLD1 protein function with a negative predictive value of 80%. In summary, the available evidence is currently insufficient to determine the role of this variant in disease. Therefore, it has been classified as a Variant of Uncertain Significance.